The following is an entry in ClinVar:

NM_002838.5(PTPRC):c.1456A>G (p.Ser486Gly)

Gene: PTPRC (protein tyrosine phosphatase receptor type C; plus strand). Cytogenetic location: 1q32.1.
Variant type: single nucleotide variant.
Coding change: c.1456A>G on transcript NM_002838.5 (MANE Select); coding-DNA position 1456, A replaced by G.
Protein change: p.Ser486Gly; replaces serine 486 with glycine.
Molecular consequence: missense variant.
Genome position (GRCh38, 1-based): chr1:198,718,099, A>G. VCF-style: chr1-198718099-A-G. GRCh37 (hg19) VCF-style: chr1-198687228-A-G.
Other names: c.1450A>G (NM_002838.3); c.973A>G, p.Ser325Gly (NM_080921.4); short protein forms S486G, S325G.
Identifiers: ClinVar variation 464440 (VCV000464440.7), dbSNP rs1432775291, ClinGen allele CA344038706.

ClinVar aggregate classification (germline): Uncertain significance. Review status: criteria provided, multiple submitters, no conflicts (2 of 4 stars). 2 submissions from 2 submitters: Uncertain significance (2). Last evaluated 2025-12-15.

Conditions:
Inborn genetic diseases. Identifiers: MedGen C0950123, MeSH D030342.
Immunodeficiency 104. Also called: SCID, AUTOSOMAL RECESSIVE, T CELL-NEGATIVE, B CELL-POSITIVE, NK CELL-POSITIVE; IMMUNODEFICIENCY 104, SEVERE COMBINED; Severe combined immunodeficiency, autosomal recessive, T cell-negative, B cell-positive, NK cell-positive; Severe Combined Immune Deficiency, Autosomal Recessive, TCell -Negative, B Cell-Positive, NK Cell-Positive, IL7R-Related. Identifiers: MedGen C5676890, MONDO:0012163, OMIM 608971.

Allele frequency attached by ClinVar (database versions not stated): gnomAD exomes below 0.00001; TOPMed below 0.00001; gnomAD 0.00001.
gnomAD v4.1: 12 of 1,611,056 alleles (0.00074%); highest among the groups gnomAD compares: Admixed American, 0.0017%; no homozygotes.

Submissions (2):

Ambry Genetics
Classification: Uncertain significance for Inborn genetic diseases. Last evaluated: 2025-12-15. Review status: criteria provided, single submitter. Criteria: Ambry Variant Classification Scheme 2023. Collection method: clinical testing. Allele origin: germline.

Labcorp Genetics (formerly Invitae), Labcorp
Classification: Uncertain significance for Immunodeficiency 104. Last evaluated: 2021-08-28. Review status: criteria provided, single submitter. Criteria: Invitae Variant Classification Sherloc (09022015). Collection method: clinical testing. Allele origin: germline.
Comment: This sequence change replaces serine with glycine at codon 486 of the PTPRC protein (p.Ser486Gly). The serine residue is moderately conserved and there is a small physicochemical difference between serine and glycine. This variant is not present in population databases (ExAC no frequency). This variant has not been reported in the literature in individuals affected with PTPRC-related conditions. Algorithms developed to predict the effect of missense changes on protein structure and function output the following: SIFT: "Tolerated"; PolyPhen-2: "Benign"; Align-GVGD: "Class C0". The glycine amino acid residue is found in multiple mammalian species, which suggests that this missense change does not adversely affect protein function. Algorithms developed to predict the effect of sequence changes on RNA splicing suggest that this variant may create or strengthen a splice site. In summary, the available evidence is currently insufficient to determine the role of this variant in disease. Therefore, it has been classified as a Variant of Uncertain Significance.